The following is an entry in ClinVar:

NM_032447.5(FBN3):c.4087A>G (p.Arg1363Gly)

Gene: FBN3 (fibrillin 3; minus strand). Cytogenetic location: 19p13.2.
Variant type: single nucleotide variant.
Coding change: c.4087A>G on transcript NM_032447.5 (MANE Select); coding-DNA position 4087, A replaced by G.
Protein change: p.Arg1363Gly; replaces arginine 1363 with glycine.
Molecular consequence: missense variant.
Genome position (GRCh38, 1-based): chr19:8,111,181, T>C on the plus strand (A>G on the coding strand, the complement: FBN3 is on the minus strand). VCF-style: chr19-8111181-T-C. GRCh37 (hg19) VCF-style: chr19-8176065-T-C.
Other names: c.4087A>G, p.Arg1363Gly (NM_001321431.2); short protein forms R1363G.
Identifiers: ClinVar variation 2407118 (VCV002407118.6), dbSNP rs770842848, ClinGen allele CA9152178.
Genomic context (GRCh38, chr19:8,111,181, plus strand): 5'-CGGGCGCATTGAGGCACTGCCCGTTGTCACAGAGGTCCACGTTCTCGGCACATTCATCCC[T>C]GTCTGAGGGGCCCCAAGATTCGGAGGGCTGGAGGCCGGTGGACCAGGACCCACACAGGGT-3'
Protein context (NP_115823.3, residues 1353-1373): FAGDGFFCED[Arg1363Gly]DECAENVDLC

ClinVar aggregate classification (germline): Uncertain significance. Review status: criteria provided, multiple submitters, no conflicts (2 of 4 stars). 2 submissions from 2 submitters: Uncertain significance (2). Last evaluated 2026-02-01.

Allele frequency attached by ClinVar (database versions not stated): gnomAD 0.00001; gnomAD exomes 0.00001; ExAC 0.00001; TOPMed 0.00001.
gnomAD v4.1: 7 of 1,592,564 alleles (0.00044%); highest among the groups gnomAD compares: Admixed American, 0.012%; no homozygotes.

Submissions (2):

Labcorp Genetics (formerly Invitae), Labcorp
Classification: Uncertain significance. Last evaluated: 2026-02-01. Review status: criteria provided, single submitter. Criteria: Invitae Variant Classification Sherloc (09022015). Collection method: clinical testing. Allele origin: germline.
Comment: This sequence change replaces arginine, which is basic and polar, with glycine, which is neutral and non-polar, at codon 1363 of the FBN3 protein (p.Arg1363Gly). This variant is present in population databases (rs770842848, gnomAD 0.02%). This variant has not been reported in the literature in individuals affected with FBN3-related conditions. ClinVar contains an entry for this variant (Variation ID: 2407118). An algorithm developed to predict the effect of missense changes on protein structure and function (PolyPhen-2) suggests that this variant is likely to be disruptive. Algorithms developed to predict the effect of sequence changes on RNA splicing suggest that this variant may disrupt the consensus splice site. In summary, the available evidence is currently insufficient to determine the role of this variant in disease. Therefore, it has been classified as a Variant of Uncertain Significance.

Ambry Genetics
Classification: Uncertain significance. Last evaluated: 2025-08-11. Review status: criteria provided, single submitter. Criteria: Ambry Variant Classification Scheme 2023. Collection method: clinical testing. Allele origin: germline.